The following is an entry in ClinVar:

ClinVar aggregate classification (germline): Uncertain significance (1 of 4 stars; one submission).

Allele frequency attached by ClinVar (database versions not stated): gnomAD exomes below 0.00001; ExAC 0.00001.
gnomAD v4.1: 1 of 1,593,438 alleles (0.000063%); highest among the groups gnomAD compares: Non-Finnish European, 0.000086%; no homozygotes.

Submission:

Labcorp Genetics (formerly Invitae), Labcorp
Classification: Uncertain significance. Last evaluated: 2022-04-25. Review status: criteria provided, single submitter. Criteria: Invitae Variant Classification Sherloc (09022015). Collection method: clinical testing. Allele origin: germline.
Comment: In summary, the available evidence is currently insufficient to determine the role of this variant in disease. Therefore, it has been classified as a Variant of Uncertain Significance. Algorithms developed to predict the effect of missense changes on protein structure and function output the following: SIFT: "Tolerated"; PolyPhen-2: "Benign"; Align-GVGD: "Class C0". The threonine amino acid residue is found in multiple mammalian species, which suggests that this missense change does not adversely affect protein function. This variant has not been reported in the literature in individuals affected with IFT74-related conditions. This variant is present in population databases (rs751270489, gnomAD 0.0009%). This sequence change replaces alanine, which is neutral and non-polar, with threonine, which is neutral and polar, at codon 514 of the IFT74 protein (p.Ala514Thr).

NM_025103.4(IFT74):c.1540G>A (p.Ala514Thr)

Gene: IFT74 (intraflagellar transport 74; plus strand). Cytogenetic location: 9p21.2.
Variant type: single nucleotide variant.
Coding change: c.1540G>A on transcript NM_025103.4 (MANE Select); coding-DNA position 1540, G replaced by A.
Protein change: p.Ala514Thr; replaces alanine 514 with threonine.
Molecular consequence: missense variant.
Genome position (GRCh38, 1-based): chr9:27,056,376, G>A. VCF-style: chr9-27056376-G-A. GRCh37 (hg19) VCF-style: chr9-27056374-G-A.
Other names: c.1540G>A, p.Ala514Thr (NM_001099222.3, NM_001099223.3, NM_001349928.2); short protein forms A514T.
Identifiers: ClinVar variation 1950912 (VCV001950912.5), dbSNP rs751270489, ClinGen allele CA5015698.